The following is an entry in ClinVar:

NM_000426.4(LAMA2):c.2404G>T (p.Glu802Ter)

Gene: LAMA2 (laminin subunit alpha 2; plus strand). Cytogenetic location: 6q22.33.
Variant type: single nucleotide variant.
Coding change: c.2404G>T on transcript NM_000426.4 (MANE Select); coding-DNA position 2404, G replaced by T.
Protein change: p.Glu802Ter; replaces glutamic acid 802 with a stop codon.
Molecular consequence: nonsense.
Genome position (GRCh38, 1-based): chr6:129,270,705, G>T. VCF-style: chr6-129270705-G-T. GRCh37 (hg19) VCF-style: chr6-129591850-G-T.
Other names: c.2404G>T, p.Glu802Ter (NM_001079823.2); short protein forms E802*.
Identifiers: ClinVar variation 1725774 (VCV001725774.3), dbSNP rs2114357233, ClinGen allele CA365609152.
Genomic context (GRCh38, chr6:129,270,705, plus strand): 5'-GGCCCATATTGTGATAAATGTCTTCCTGGTTTCTATGGCGAGCCTACTAAAGGAACCTCT[G>T]AAGACTGTCAACCCTGTGCCTGTCCACTCAATATCCCATCCAATAAGTAAGTAACAAACT-3'

ClinVar aggregate classification (germline): Likely pathogenic (1 of 4 stars; one submission).

Conditions:
LAMA2-related muscular dystrophy (LAMA2-RD). Also called: Laminin alpha 2-related dystrophy. Identifiers: MedGen C5679788, MONDO:0100228.

Submission:

Myriad Genetics, Inc.
Classification: Likely pathogenic for LAMA2-related muscular dystrophy. Last evaluated: 2022-03-31. Review status: criteria provided, single submitter. Criteria: Myriad Autosomal Dominant, Autosomal Recessive and X-Linked Classification Criteria (2023). Collection method: clinical testing. Allele origin: unknown.
Comment: NM_000426.3(LAMA2):c.2404G>T(E802*) is expected to be pathogenic in the context of muscular dystrophy, LAMA2-related. This variant is predicted to lead to an abnormal or absent protein product due to the creation of a premature termination codon in LAMA2, a gene where loss-of-function variants are known to be pathogenic. Please note: this variant was assessed in the context of healthy population screening.